The following is an entry in ClinVar:

NM_000091.5(COL4A3):c.3071G>C (p.Gly1024Ala)

Genes: COL4A3 (collagen type IV alpha 3 chain; plus strand), MFF-DT (MFF divergent transcript; minus strand). Cytogenetic location: 2q36.3.
Variant type: single nucleotide variant.
Coding change: c.3071G>C on transcript NM_000091.5 (MANE Select); coding-DNA position 3071, G replaced by C.
Protein change: p.Gly1024Ala; replaces glycine 1024 with alanine.
Molecular consequence: missense variant.
Genome position (GRCh38, 1-based): chr2:227,290,747, G>C. VCF-style: chr2-227290747-G-C. GRCh37 (hg19) VCF-style: chr2-228155463-G-C.
Other names: short protein forms G1024A.
Identifiers: ClinVar variation 5004573 (VCV005004573.1).

ClinVar aggregate classification (germline): Uncertain significance (1 of 4 stars; one submission).

Conditions:
Alport syndrome. Also called: Hemorrhagic familial nephritis; Hemorrhagic hereditary nephritis; Congenital hereditary hematuria. Identifiers: Orphanet 63, MedGen C1567741, MONDO:0018965.

Submission:

Myriad Genetics, Inc.
Classification: Uncertain significance for Alport syndrome. Last evaluated: 2026-04-01. Review status: criteria provided, single submitter. Criteria: Myriad Autosomal Dominant, Autosomal Recessive and X-Linked Classification Criteria (2023). Collection method: clinical testing. Allele origin: unknown.
Comment: NM_000091.4(COL4A3):c.3071G>C(G1024A) is a missense variant classified as a variant of uncertain significance in the context of Alport syndrome, COL4A3-related. G1024A has not been observed in cases with relevant disease. Relevant functional assessments of this variant are not available in the literature. G1024A has not been observed in referenced population frequency databases. In summary, there is insufficient evidence to classify NM_000091.4(COL4A3):c.3071G>C(G1024A) as pathogenic or benign. Please note: this variant was assessed in the context of healthy population screening.